The following is an entry in ClinVar:

NM_000020.3(ACVRL1):c.541G>A (p.Asp181Asn)

Gene: ACVRL1 (activin A receptor like type 1; plus strand). Cytogenetic location: 12q13.13.
Variant type: single nucleotide variant.
Coding change: c.541G>A on transcript NM_000020.3 (MANE Select); coding-DNA position 541, G replaced by A.
Protein change: p.Asp181Asn; replaces aspartic acid 181 with asparagine.
Molecular consequence: missense variant. On other transcripts: intron variant (6).
Genome position (GRCh38, 1-based): chr12:51,913,989, G>A. VCF-style: chr12-51913989-G-A. GRCh37 (hg19) VCF-style: chr12-52307773-G-A.
Other names: c.541G>A, p.Asp181Asn (NM_001077401.2, NM_001406487.1, NM_001406488.1 and 1 more transcripts); c.314-450G>A (NM_001406491.1, NM_001406490.1, NM_001406492.1 and 2 more transcripts); c.62-450G>A (NM_001406495.1); short protein forms D181N.
Identifiers: ClinVar variation 3704675 (VCV003704675.1).
Genomic context (GRCh38, chr12:51,913,989, plus strand): 5'-GTGGCTGGTTGTGGCAGCCTCTCAGTGGCCTCTCCGTACCCCCAGGACCTCCTGGACAGT[G>A]ACTGCACCACAGGGAGTGGCTCAGGGCTCCCCTTCCTGGTGCAGAGGACAGTGGCACGGC-3'
Protein context (NP_000011.2, residues 171-191): DSMLGDLLDS[Asp181Asn]CTTGSGSGLP

ClinVar aggregate classification (germline): Uncertain significance (1 of 4 stars; one submission).

Conditions:
Telangiectasia, hereditary hemorrhagic, type 2 (HHT2). Also called: Telangiectasia, hereditary hemorrhagic, type II; ACVRL1-Related Hereditary Hemorrhagic Telangiectasia. Identifiers: Orphanet 774, MedGen C1838163, MONDO:0010880, OMIM 600376. Disease mechanism: loss of function.

gnomAD v4.1: 27 of 1,613,536 alleles (0.0017%); highest among the groups gnomAD compares: South Asian, 0.027%; no homozygotes.

Submission:

Labcorp Genetics (formerly Invitae), Labcorp
Classification: Uncertain significance for Telangiectasia, hereditary hemorrhagic, type 2. Last evaluated: 2024-06-17. Review status: criteria provided, single submitter. Criteria: Invitae Variant Classification Sherloc (09022015). Collection method: clinical testing. Allele origin: germline.
Comment: This sequence change replaces aspartic acid, which is acidic and polar, with asparagine, which is neutral and polar, at codon 181 of the ACVRL1 protein (p.Asp181Asn). This variant is present in population databases (rs765132417, gnomAD 0.02%). This variant has not been reported in the literature in individuals affected with ACVRL1-related conditions. Algorithms developed to predict the effect of missense changes on protein structure and function output the following: SIFT: "Not Available"; PolyPhen-2: "Benign"; Align-GVGD: "Not Available". The asparagine amino acid residue is found in multiple mammalian species, which suggests that this missense change does not adversely affect protein function. In summary, the available evidence is currently insufficient to determine the role of this variant in disease. Therefore, it has been classified as a Variant of Uncertain Significance.